The following is an entry in ClinVar:

ClinVar aggregate classification (germline): Uncertain significance (1 of 4 stars; one submission).

Submission:

Labcorp Genetics (formerly Invitae), Labcorp
Classification: Uncertain significance. Last evaluated: 2022-05-29. Review status: criteria provided, single submitter. Criteria: Invitae Variant Classification Sherloc (09022015). Collection method: clinical testing. Allele origin: germline.
Comment: This sequence change replaces glutamine, which is neutral and polar, with histidine, which is basic and polar, at codon 890 of the CNGB1 protein (p.Gln890His). This variant is not present in population databases (gnomAD no frequency). This variant has not been reported in the literature in individuals affected with CNGB1-related conditions. Algorithms developed to predict the effect of missense changes on protein structure and function are either unavailable or do not agree on the potential impact of this missense change (SIFT: "Deleterious"; PolyPhen-2: "Possibly Damaging"; Align-GVGD: "Class C0"). In summary, the available evidence is currently insufficient to determine the role of this variant in disease. Therefore, it has been classified as a Variant of Uncertain Significance.

NM_001297.5(CNGB1):c.2670G>T (p.Gln890His)

Gene: CNGB1 (cyclic nucleotide gated channel subunit beta 1; minus strand). Cytogenetic location: 16q21.
Variant type: single nucleotide variant.
Coding change: c.2670G>T on transcript NM_001297.5 (MANE Select); coding-DNA position 2670, G replaced by T.
Protein change: p.Gln890His; replaces glutamine 890 with histidine.
Molecular consequence: missense variant.
Genome position (GRCh38, 1-based): chr16:57,903,946, C>A on the plus strand (G>T on the coding strand, the complement: CNGB1 is on the minus strand). VCF-style: chr16-57903946-C-A. GRCh37 (hg19) VCF-style: chr16-57937850-C-A.
Other names: c.2652G>T, p.Gln884His (NM_001286130.2); short protein forms Q884H, Q890H.
Identifiers: ClinVar variation 2000828 (VCV002000828.4), dbSNP rs2544619003, ClinGen allele CA396058052.
Genomic context (GRCh38, chr16:57,903,946, plus strand): 5'-GGGGATCTTGTAGAAATTCATGTACTTCACCGTGCTGTCCATGCAGCTGCGGTAGTAGGT[C>A]TGTCCGGCGGTGGCGGCCCCTACCACATCTCTCATCTGGGGGAAGGGTTATGGGAGGTCA-3'
Protein context (NP_001288.3, residues 880-900): RDVVGAATAG[Gln890His]TYYRSCMDST